The following is an entry in ClinVar:

ClinVar aggregate classification (germline): Likely benign (1 of 4 stars; one submission).

Allele frequency attached by ClinVar (database versions not stated): 1000 Genomes Project 0.00260; 1000 Genomes Project 30x 0.00297; TOPMed 0.00547; gnomAD 0.00549.
gnomAD v4.1: 849 of 152,292 alleles (0.56%); highest among the groups gnomAD compares: Middle Eastern, 1%; 3 homozygotes.

Submission:

CeGaT Center for Human Genetics Tuebingen
Classification: Likely benign. Last evaluated: 2023-06-01. Review status: criteria provided, single submitter. Criteria: CeGaT Center For Human Genetics Tuebingen Variant Classification Criteria Version 2. Collection method: clinical testing. Allele origin: germline. Affected: yes. Observed: 6 variant alleles.
Comment: FAT2: BS2

NM_001447.3(FAT2):c.3633+382C>A

Genes: FAT2 (FAT atypical cadherin 2; minus strand), SLC36A1 (solute carrier family 36 member 1; plus strand). Cytogenetic location: 5q33.1.
Variant type: single nucleotide variant.
Coding change: c.3633+382C>A on transcript NM_001447.3 (MANE Select); 382 bases into the intron after coding-DNA position 3633, C replaced by A.
Molecular consequence: intron variant.
Genome position (GRCh38, 1-based): chr5:151,555,962, G>T on the plus strand (C>A on the coding strand, the complement: FAT2 is on the minus strand). VCF-style: chr5-151555962-G-T. GRCh37 (hg19) VCF-style: chr5-150935523-G-T.
Identifiers: ClinVar variation 2571235 (VCV002571235.27), dbSNP rs140021841, ClinGen allele CA129972203.